The following is an entry in ClinVar:

ClinVar aggregate classification (germline): Uncertain significance (1 of 4 stars; one submission).

Submission:

GeneDx
Classification: Uncertain significance. Last evaluated: 2025-04-09. Review status: criteria provided, single submitter. Criteria: GeneDx Variant Classification Process June 2021. Collection method: clinical testing. Allele origin: germline. Affected: yes.
Comment: Not observed at significant frequency in large population cohorts (gnomAD); In silico analysis supports that this missense variant has a deleterious effect on protein structure/function; Has not been previously published as pathogenic or benign to our knowledge

NM_001318852.2(MAPK8IP3):c.145G>A (p.Glu49Lys)

Gene: MAPK8IP3 (mitogen-activated protein kinase 8 interacting protein 3; plus strand). Cytogenetic location: 16p13.3.
Variant type: single nucleotide variant.
Coding change: c.145G>A on transcript NM_001318852.2 (MANE Select); coding-DNA position 145, G replaced by A.
Protein change: p.Glu49Lys; replaces glutamic acid 49 with lysine.
Molecular consequence: missense variant.
Genome position (GRCh38, 1-based): chr16:1,706,484, G>A. VCF-style: chr16-1706484-G-A. GRCh37 (hg19) VCF-style: chr16-1756485-G-A.
Other names: c.145G>A, p.Glu49Lys (NM_001040439.2, NM_015133.5); short protein forms E49K.
Identifiers: ClinVar variation 4281854 (VCV004281854.1).
Genomic context (GRCh38, chr16:1,706,484, plus strand): 5'-GTGTCGGGCCTGGCGGGCTCCATCTACCGCGAGTTCGAGCGCCTCATCCACTGCTACGAC[G>A]AGGAGGTGGTCAAGGAGCTCATGCCGCTGGTGGTGAACGTGCTGGAGAACCTAGACTCGG-3'
Protein context (NP_001305781.1, residues 39-59): EFERLIHCYD[Glu49Lys]EVVKELMPLV